The following is an entry in ClinVar:

ClinVar aggregate classification (germline): Likely benign. Review status: criteria provided, multiple submitters, no conflicts (2 of 4 stars). 2 submissions from 2 submitters: Likely benign (2). Last evaluated 2026-01-03.

Conditions:
THPO-related disorder. Also called: THPO-related condition.

Allele frequency attached by ClinVar (database versions not stated): gnomAD exomes 0.00001; ExAC 0.00005; 1000 Genomes Project 30x 0.00016; 1000 Genomes Project 0.00020; TOPMed 0.00020; gnomAD 0.00023.

Submissions (2):

PreventionGenetics, part of Exact Sciences
Classification: Likely benign for THPO-related condition. Last evaluated: 2026-01-03. Review status: criteria provided, single submitter. Criteria: ACMG Guidelines, 2015. Collection method: clinical testing. Allele origin: germline.
Comment: This variant is classified as likely benign based on ACMG/AMP sequence variant interpretation guidelines (Richards et al. 2015 PMID: 25741868, with internal and published modifications).

Labcorp Genetics (formerly Invitae), Labcorp
Classification: Likely benign. Last evaluated: 2025-07-24. Review status: criteria provided, single submitter. Criteria: Invitae Variant Classification Sherloc (09022015). Collection method: clinical testing. Allele origin: germline.

NM_000460.4(THPO):c.987T>C (p.Ala329=)

Gene: THPO (thrombopoietin; minus strand). Cytogenetic location: 3q27.1.
Variant type: single nucleotide variant.
Coding change: c.987T>C on transcript NM_000460.4 (MANE Select); coding-DNA position 987, T replaced by C.
Protein change: p.Ala329=; no amino-acid change (alanine 329 retained).
Molecular consequence: synonymous variant. On other transcripts: 3 prime UTR variant (4).
Genome position (GRCh38, 1-based): chr3:184,372,588, A>G on the plus strand (T>C on the coding strand, the complement: THPO is on the minus strand). VCF-style: chr3-184372588-A-G. GRCh37 (hg19) VCF-style: chr3-184090376-A-G.
Other names: c.975T>C, p.Ala325= (NM_001177597.2, NM_001290022.1); c.*10T>C (NM_001177598.2, NM_001289997.1, NM_001290026.1 and 1 more transcripts); c.987T>C, p.Ala329= (NM_001289998.1, NM_001290028.1); c.1407T>C, p.Ala469= (NM_001290003.1); c.987T>C (NM_000460.3).
Identifiers: ClinVar variation 2413680 (VCV002413680.8), dbSNP rs201163272, ClinGen allele CA2734820.